The following is an entry in ClinVar:

ClinVar aggregate classification (germline): Uncertain significance (1 of 4 stars; one submission).

Conditions:
Hereditary cancer-predisposing syndrome. Also called: Hereditary Cancer Syndrome; Hereditary neoplastic syndrome; Neoplastic Syndromes, Hereditary; Tumor predisposition. Identifiers: Orphanet 140162, MedGen C0027672, MeSH D009386, MONDO:0015356.

Submission:

Ambry Genetics
Classification: Uncertain significance for Hereditary cancer-predisposing syndrome. Last evaluated: 2025-04-06. Review status: criteria provided, single submitter. Criteria: Ambry Variant Classification Scheme 2023. Collection method: clinical testing. Allele origin: germline.
Comment: The p.Q776P variant (also known as c.2327A>C), located in coding exon 4 of the MSH6 gene, results from an A to C substitution at nucleotide position 2327. The glutamine at codon 776 is replaced by proline, an amino acid with similar properties. This amino acid position is conserved. In addition, this alteration is predicted to be deleterious by in silico analysis. Based on the available evidence, the clinical significance of this variant remains unclear.

NM_000179.3(MSH6):c.2327A>C (p.Gln776Pro)

Gene: MSH6 (mutS homolog 6; plus strand). Cytogenetic location: 2p16.3.
Variant type: single nucleotide variant.
Coding change: c.2327A>C on transcript NM_000179.3 (MANE Select); coding-DNA position 2327, A replaced by C.
Protein change: p.Gln776Pro; replaces glutamine 776 with proline.
Molecular consequence: missense variant. On other transcripts: non-coding transcript variant (5), intron variant (3).
Genome position (GRCh38, 1-based): chr2:47,800,310, A>C. VCF-style: chr2-47800310-A-C. GRCh37 (hg19) VCF-style: chr2-48027449-A-C.
Other names: c.1937A>C, p.Gln646Pro (NM_001281492.2); c.1421A>C, p.Gln474Pro (NM_001281493.2, NM_001281494.2, NM_001406811.1 and 6 more transcripts); c.2423A>C, p.Gln808Pro (NM_001406795.1, NM_001406802.1); c.2327A>C, p.Gln776Pro (NM_001406796.1, NM_001406798.1, NM_001406800.1 and 2 more transcripts); c.2030A>C, p.Gln677Pro (NM_001406797.1, NM_001406801.1, NM_001406805.1 and 10 more transcripts); c.1802A>C, p.Gln601Pro (NM_001406799.1, NM_001406806.1, NM_001406807.1); c.2249A>C, p.Gln750Pro (NM_001406804.1); c.2333A>C, p.Gln778Pro (NM_001406813.1); and 4 more; short protein forms Q474P, Q601P, Q646P, Q720P, Q778P, Q808P, Q750P, Q677P.
Identifiers: ClinVar variation 3913726 (VCV003913726.1).